The following is an entry in ClinVar:

NM_018263.6(ASXL2):c.753G>C (p.Gln251His)

Gene: ASXL2 (ASXL transcriptional regulator 2; minus strand). Cytogenetic location: 2p23.3.
Variant type: single nucleotide variant.
Coding change: c.753G>C on transcript NM_018263.6 (MANE Select); coding-DNA position 753, G replaced by C.
Protein change: p.Gln251His; replaces glutamine 251 with histidine.
Molecular consequence: missense variant. On other transcripts: 5 prime UTR variant (1).
Genome position (GRCh38, 1-based): chr2:25,767,605, C>G on the plus strand (G>C on the coding strand, the complement: ASXL2 is on the minus strand). VCF-style: chr2-25767605-C-G. GRCh37 (hg19) VCF-style: chr2-25990474-C-G.
Other names: c.579G>C, p.Gln193His (NM_001369346.1); c.-28G>C (NM_001369347.1); short protein forms Q193H, Q251H.
Identifiers: ClinVar variation 4822667 (VCV004822667.4).

ClinVar aggregate classification (germline): Uncertain significance (1 of 4 stars; one submission).

Submission:

CeGaT Center for Human Genetics Tuebingen
Classification: Uncertain significance. Last evaluated: 2025-12-01. Review status: criteria provided, single submitter. Criteria: CeGaT Center For Human Genetics Tuebingen Variant Classification Criteria Version 2. Collection method: clinical testing. Allele origin: germline. Affected: yes. Observed: 1 variant allele.
Comment: ASXL2: PM2